The following is an entry in ClinVar:

NM_024649.5(BBS1):c.1535G>A (p.Arg512His)

Genes: BBS1 (Bardet-Biedl syndrome 1; plus strand), ZDHHC24 (zDHHC palmitoyltransferase 24; minus strand). Cytogenetic location: 11q13.2.
Variant type: single nucleotide variant.
Coding change: c.1535G>A on transcript NM_024649.5 (MANE Select); coding-DNA position 1535, G replaced by A.
Protein change: p.Arg512His; replaces arginine 512 with histidine.
Molecular consequence: missense variant. On other transcripts: intron variant (1).
Genome position (GRCh38, 1-based): chr11:66,530,955, G>A. VCF-style: chr11-66530955-G-A. GRCh37 (hg19) VCF-style: chr11-66298426-G-A.
Other names: p.Arg512His; c.560-1467C>T (NM_001348571.2); short protein forms R512H.
Identifiers: ClinVar variation 225300 (VCV000225300.22), dbSNP rs202205304, ClinGen allele CA6123805.
Genomic context (GRCh38, chr11:66,530,955, plus strand): 5'-TTCAGGGCCTTGGCCCCACCTTTAAGCTCACACTTCACCTGCAGAACACCTCAACAACCC[G>A]TCCTGTCCTGGGGCTGCTGGTCTGCTTCCTGTACAACGAGGCGCTCTATTCCCTGCCCCG-3'
Protein context (NP_078925.3, residues 502-522): TLHLQNTSTT[Arg512His]PVLGLLVCFL

ClinVar aggregate classification (germline): Uncertain significance. Review status: criteria provided, multiple submitters, no conflicts (2 of 4 stars). 11 submissions from 11 submitters: Uncertain significance (9). 2 of the submissions do not count toward it. Last evaluated 2025-01-29.

Conditions:
BBS1-related disorder. Also called: BBS1-related condition.
Early onset severe obesity. Identifiers: MedGen C4013980.
Bardet-Biedl syndrome 1 (BBS1). Identifiers: MedGen C2936862, MONDO:0008854, OMIM 209900. Disease mechanism: loss of function.
Bardet-Biedl syndrome (BBS). Identifiers: Orphanet 110, MedGen C0752166, MONDO:0015229.

Allele frequency attached by ClinVar (database versions not stated): gnomAD 0.00006; TOPMed 0.00004; ExAC 0.00009; ESP Exome Variant Server 0.00008; 1000 Genomes Project 30x 0.00016; 1000 Genomes Project 0.00020.
gnomAD v4.1: 67 of 1,614,186 alleles (0.0042%); highest among the groups gnomAD compares: South Asian, 0.0055%; no homozygotes.

Submissions (11):

PreventionGenetics, part of Exact Sciences
Classification: Uncertain significance for BBS1-related condition. Last evaluated: 2025-01-29. Review status: criteria provided, single submitter. Criteria: ACMG Guidelines, 2015. Collection method: clinical testing. Allele origin: germline.
Comment: The BBS1 c.1535G>A variant is predicted to result in the amino acid substitution p.Arg512His. This variant has been reported in the heterozygous state in a Bardet-Biedl syndrome family; however, two heterozygous variants were also identified in BBS12 (Chen et al. 2011. PubMed ID: 21642631). This variant is reported in 0.010% of alleles in individuals of European (Non-Finnish) descent in gnomAD. At this time, the clinical significance of this variant is uncertain due to the absence of conclusive functional and genetic evidence.

Fulgent Genetics
Classification: Uncertain significance for Bardet-Biedl syndrome 1. Last evaluated: 2024-03-18. Review status: criteria provided, single submitter. Criteria: ACMG Guidelines, 2015. Collection method: clinical testing. Allele origin: germline.

Blueprint Genetics
Classification: Uncertain significance. Last evaluated: 2024-02-08. Review status: criteria provided, single submitter. Criteria: ACMG Guidelines, 2015. Collection method: clinical testing. Allele origin: germline.

Cambridge Genomics Laboratory, East Genomic Laboratory Hub, NHS Genomic Medicine Service
Classification: Uncertain significance for Severe early-onset obesity. Last evaluated: 2023-11-28. Review status: criteria provided, single submitter. Criteria: ACGS Best Practice Guidelines for Variant Classification in Rare Disease 2020. Collection method: clinical testing. Allele origin: germline. Affected: yes.
Comment: The p.Arg512His variant is observed in 2/18.394 (0.0109%) alleles from individuals of gnomAD East Asian background in gnomAD All. The p.Arg512His variant is observed in 1/5.008 (0.02%) alleles from individuals of 1kG All background in 1kG All. The p.Arg512His variant is observed in 1/5.186 (0.0193%) alleles from individuals of gnomAD Genomes v3 East Asian background in gnomAD Genomes v3 All. (PM2 - Moderate) | The p.Arg512His missense variant is predicted to be damaging by both SIFT and PolyPhen2. The arginine residue at codon 512 of BBS1 is conserved in all mammalian species. The nucleotide c.1535 in BBS1 is predicted conserved by GERP++ and PhyloP across 100 vertebrates. (PP3 - Supporting)

Women's Health and Genetics/Laboratory Corporation of America, LabCorp
Classification: Uncertain significance. Last evaluated: 2022-07-19. Review status: criteria provided, single submitter. Criteria: LabCorp Variant Classification Summary - May 2015. Collection method: clinical testing. Allele origin: germline.
Comment: Variant summary: BBS1 c.1535G>A (p.Arg512His) results in a non-conservative amino acid change in the encoded protein sequence. Four of five in-silico tools predict a damaging effect of the variant on protein function. The variant allele was found at a frequency of 6.4e-05 in 251494 control chromosomes (gnomAD). This frequency is not higher than expected for a pathogenic variant in BBS1 causing Bardet-Biedl Syndrome (6.4e-05 vs 0.0015), allowing no conclusion about variant significance. c.1535G>A has been reported in the literature in at least one heterozygous individual affected with Bardet-Biedl Syndrome, however in this case the individual also had compound heterozygous variants in BBS12 which may explain the phenotype (e.g. Chen_2011). Therefore, this report does not provide unequivocal conclusions about association of the variant with Bardet-Biedl Syndrome. The variant was found to have no impact on the interaction between BBS1 and BBS9 in a yeast two hybrid model system (e.g. Woodsmith_2017). However, to our knowledge, no other experimental evidence demonstrating an impact on protein function has been reported. Six submitters have provided clinical-significance assessments for this variant to ClinVar after 2014 and all classified the variant as uncertain significance. Based on the evidence outlined above, the variant was classified as uncertain significance.

Labcorp Genetics (formerly Invitae), Labcorp
Classification: Uncertain significance for Bardet-Biedl syndrome. Last evaluated: 2022-06-13. Review status: criteria provided, single submitter. Criteria: Invitae Variant Classification Sherloc (09022015). Collection method: clinical testing. Allele origin: germline.
Comment: This sequence change replaces arginine, which is basic and polar, with histidine, which is basic and polar, at codon 512 of the BBS1 protein (p.Arg512His). This variant is present in population databases (rs202205304, gnomAD 0.01%). This variant has not been reported in the literature in individuals affected with BBS1-related conditions. ClinVar contains an entry for this variant (Variation ID: 225300). Algorithms developed to predict the effect of missense changes on protein structure and function are either unavailable or do not agree on the potential impact of this missense change (SIFT: "Deleterious"; PolyPhen-2: "Possibly Damaging"; Align-GVGD: "Class C0"). In summary, the available evidence is currently insufficient to determine the role of this variant in disease. Therefore, it has been classified as a Variant of Uncertain Significance.

Laboratory for Molecular Medicine, Mass General Brigham Personalized Medicine
Classification: Uncertain significance. Last evaluated: 2018-07-18. Review status: criteria provided, single submitter. Criteria: LMM Criteria. Collection method: clinical testing. Allele origin: germline. Observed: 1 variant allele.
Comment: The p.Arg512His variant in BBS1 has been reported in the heterozygous state in 1 individual with Bardet-Biedl syndrome (BBS) who also carried 2 other reportedly damaging alleles in another gene known to cause BBS (Chen 2011). This variant h as also been reported in ClinVar (Variation ID: 225300). This variant has been i dentified in 0.01% (13/126704) of European chromosomes by the Genome Aggregation Database (gnomAD; dbSNP rs202205304). Althoug h this variant has been seen in the general population, its frequency is low eno ugh to be consistent with a recessive carrier frequency. Computational predictio n tools and conservation analysis suggest that the ${MatchVariant_1_AminoAcidCha nge} variant may not impact the protein, though this information is not predicti ve enough to rule out pathogenicity. In summary, the clinical significance of th is variant is uncertain. ACMG/AMP Criteria applied: PM2_Supporting.

Illumina Laboratory Services, Illumina
Classification: Uncertain significance for Bardet-Biedl syndrome 1. Last evaluated: 2017-10-13. Review status: criteria provided, single submitter. Criteria: ICSL Variant Classification Criteria 13 December 2019. Collection method: clinical testing. Allele origin: germline.
Comment: This variant was observed as part of a predisposition screen in an ostensibly healthy population. A literature search was performed for the gene, cDNA change, and amino acid change (where applicable). Publications were found based on this search. However, the evidence from the literature, in combination with allele frequency data from public databases where available, was not sufficient to rule this variant in or out of causing disease. Therefore, this variant is classified as a variant of unknown significance.

Soonchunhyang University Bucheon Hospital, Soonchunhyang University Medical Center
Classification: Uncertain significance for Bardet-Biedl syndrome 1. Last evaluated: 2016-03-18. Review status: criteria provided, single submitter. Criteria: ACMG Guidelines, 2015. Collection method: reference population. Allele origin: germline. Observed: 1 variant allele.

Natera, Inc.
Classification: Uncertain significance for Bardet-Biedl syndrome type 1. Last evaluated: 2020-09-16. Review status: no assertion criteria provided. Collection method: clinical testing. Allele origin: germline. Not counted in ClinVar's aggregate classification.

Counsyl
Classification: Uncertain significance for Bardet-Biedl syndrome 1. Last evaluated: 2018-01-02. Review status: no assertion criteria provided. Collection method: clinical testing. Allele origin: unknown. Not counted in ClinVar's aggregate classification.

Literature cited by the submitters: PubMed 21642631 (cited by 5 submitters).